The following is an entry in ClinVar:

ClinVar aggregate classification (germline): Likely benign (1 of 4 stars; one submission).

Submission:

Mayo Clinic Laboratories, Mayo Clinic
Classification: Likely benign. Last evaluated: 2025-06-06. Review status: criteria provided, single submitter. Criteria: ACMG Guidelines, 2015. Collection method: clinical testing. Allele origin: germline. Observed: 1 variant allele.
Comment: BP4, BP7, PM2_supporting

NM_139027.6(ADAMTS13):c.1047C>T (p.Arg349=)

Gene: ADAMTS13 (ADAM metallopeptidase with thrombospondin type 1 motif 13; plus strand). Cytogenetic location: 9q34.2.
Variant type: single nucleotide variant.
Coding change: c.1047C>T on transcript NM_139027.6 (MANE Select); coding-DNA position 1047, C replaced by T.
Protein change: p.Arg349=; no amino-acid change (arginine 349 retained).
Molecular consequence: synonymous variant. On other transcripts: non-coding transcript variant (1).
Genome position (GRCh38, 1-based): chr9:133,432,647, C>T. VCF-style: chr9-133432647-C-T. GRCh37 (hg19) VCF-style: chr9-136297768-C-T.
Other names: p.Arg349=; c.1047C>T, p.Arg349= (NM_139025.5); c.954C>T, p.Arg318= (NM_139026.6).
Identifiers: ClinVar variation 4683455 (VCV004683455.1).